The following is an entry in ClinVar:

ClinVar aggregate classification (germline): Uncertain significance (1 of 4 stars; one submission).

Conditions:
Multiple gastrointestinal atresias. Also called: FAMILIAL INTESTINAL POLYATRESIA SYNDROME; Multiple intestinal atresia. Identifiers: Orphanet 2300, MedGen C0220744, MONDO:0009465.

Submission:

Labcorp Genetics (formerly Invitae), Labcorp
Classification: Uncertain significance for Multiple gastrointestinal atresias. Last evaluated: 2026-01-19. Review status: criteria provided, single submitter. Criteria: Invitae Variant Classification Sherloc (09022015). Collection method: clinical testing. Allele origin: germline.
Comment: This sequence change replaces glycine, which is neutral and non-polar, with aspartic acid, which is acidic and polar, at codon 827 of the TTC7A protein (p.Gly827Asp). This variant is not present in population databases (gnomAD no frequency). This variant has not been reported in the literature in individuals affected with TTC7A-related conditions. ClinVar contains an entry for this variant (Variation ID: 2784724). Invitae Evidence Modeling of protein sequence and biophysical properties (such as structural, functional, and spatial information, amino acid conservation, physicochemical variation, residue mobility, and thermodynamic stability) indicates that this missense variant is not expected to disrupt TTC7A protein function with a negative predictive value of 80%. In summary, the available evidence is currently insufficient to determine the role of this variant in disease. Therefore, it has been classified as a Variant of Uncertain Significance.

NM_020458.4(TTC7A):c.2480G>A (p.Gly827Asp)

Gene: TTC7A (tetratricopeptide repeat domain 7A; plus strand). Cytogenetic location: 2p21.
Variant type: single nucleotide variant.
Coding change: c.2480G>A on transcript NM_020458.4 (MANE Select); coding-DNA position 2480, G replaced by A.
Protein change: p.Gly827Asp; replaces glycine 827 with aspartic acid.
Molecular consequence: missense variant.
Genome position (GRCh38, 1-based): chr2:47,073,826, G>A. VCF-style: chr2-47073826-G-A. GRCh37 (hg19) VCF-style: chr2-47300965-G-A.
Other names: c.2552G>A, p.Gly851Asp (NM_001288951.2); c.2378G>A, p.Gly793Asp (NM_001288953.2); c.1418G>A, p.Gly473Asp (NM_001288955.2); short protein forms G851D, G793D, G827D, G473D.
Identifiers: ClinVar variation 2784724 (VCV002784724.3), dbSNP rs2465541408, ClinGen allele CA346718022.